The following is an entry in ClinVar:

NM_000179.3(MSH6):c.3682G>A (p.Ala1228Thr)

Gene: MSH6 (mutS homolog 6; plus strand). Cytogenetic location: 2p16.3.
Variant type: single nucleotide variant.
Coding change: c.3682G>A on transcript NM_000179.3 (MANE Select); coding-DNA position 3682, G replaced by A.
Protein change: p.Ala1228Thr; replaces alanine 1228 with threonine.
Molecular consequence: missense variant. On other transcripts: non-coding transcript variant (5).
Genome position (GRCh38, 1-based): chr2:47,806,239, G>A. VCF-style: chr2-47806239-G-A. GRCh37 (hg19) VCF-style: chr2-48033378-G-A.
Other names: c.3157G>A, p.Ala1053Thr (NM_001406799.1, NM_001406806.1, NM_001406807.1); c.3682G>A, p.Ala1228Thr (NM_001406800.1, NM_001406808.1, NM_001406796.1 and 1 more transcripts); c.3385G>A, p.Ala1129Thr (NM_001406801.1, NM_001406805.1, NM_001406797.1 and 10 more transcripts); c.3778G>A, p.Ala1260Thr (NM_001406802.1, NM_001406795.1); c.2818G>A, p.Ala940Thr (NM_001406803.1); c.3604G>A, p.Ala1202Thr (NM_001406804.1); c.3292G>A, p.Ala1098Thr (NM_001281492.2); c.2776G>A, p.Ala926Thr (NM_001281493.2, NM_001281494.2, NM_001406811.1 and 6 more transcripts); and 7 more; short protein forms A1053T, A1172T, A1228T, A1230T, A155T, A706T, A1098T, A1170T.
Identifiers: ClinVar variation 2828521 (VCV002828521.3), dbSNP rs587779283, ClinGen allele CA346760908.

ClinVar aggregate classification (germline): Uncertain significance (1 of 4 stars; one submission).

Conditions:
Hereditary nonpolyposis colorectal neoplasms. Identifiers: MedGen C0009405, MeSH D003123.

Submission:

Labcorp Genetics (formerly Invitae), Labcorp
Classification: Uncertain significance for Hereditary nonpolyposis colorectal neoplasms. Last evaluated: 2024-07-02. Review status: criteria provided, single submitter. Criteria: Invitae Variant Classification Sherloc (09022015). Collection method: clinical testing. Allele origin: germline.
Comment: This sequence change replaces alanine, which is neutral and non-polar, with threonine, which is neutral and polar, at codon 1228 of the MSH6 protein (p.Ala1228Thr). This variant is not present in population databases (gnomAD no frequency). This variant has not been reported in the literature in individuals affected with MSH6-related conditions. Advanced modeling of protein sequence and biophysical properties (such as structural, functional, and spatial information, amino acid conservation, physicochemical variation, residue mobility, and thermodynamic stability) performed at Invitae indicates that this missense variant is expected to disrupt MSH6 protein function with a positive predictive value of 80%. In summary, the available evidence is currently insufficient to determine the role of this variant in disease. Therefore, it has been classified as a Variant of Uncertain Significance.